The following is an entry in ClinVar:

NM_000135.4(FANCA):c.4118C>G (p.Thr1373Arg)

Genes: FANCA (FA complementation group A; minus strand), ZNF276 (zinc finger protein 276; plus strand). Cytogenetic location: 16q24.3.
Variant type: single nucleotide variant.
Coding change: c.4118C>G on transcript NM_000135.4 (MANE Select); coding-DNA position 4118, C replaced by G.
Protein change: p.Thr1373Arg; replaces threonine 1373 with arginine.
Molecular consequence: missense variant. On other transcripts: 3 prime UTR variant (2), non-coding transcript variant (4).
Genome position (GRCh38, 1-based): chr16:89,739,182, G>C on the plus strand (C>G on the coding strand, the complement: FANCA is on the minus strand). VCF-style: chr16-89739182-G-C. GRCh37 (hg19) VCF-style: chr16-89805590-G-C.
Other names: c.4118C>G, p.Thr1373Arg (NM_001286167.3); c.*936G>C (NM_001113525.2, NM_152287.4); short protein forms T1373R.
Identifiers: ClinVar variation 1042796 (VCV001042796.8), dbSNP rs1277481284, ClinGen allele CA397484348.

ClinVar aggregate classification (germline): Uncertain significance (1 of 4 stars; one submission).

Conditions:
Fanconi anemia (FA). Also called: Fanconi's anemia. Identifiers: Orphanet 84, MedGen C0015625, MeSH D005199, MONDO:0019391.

Allele frequency attached by ClinVar (database versions not stated): gnomAD exomes below 0.00001.
gnomAD v4.1: 1 of 1,614,146 alleles (0.000062%); highest among the groups gnomAD compares: East Asian, 0.0022%; no homozygotes.

Submission:

Labcorp Genetics (formerly Invitae), Labcorp
Classification: Uncertain significance for Fanconi anemia. Last evaluated: 2023-08-30. Review status: criteria provided, single submitter. Criteria: Invitae Variant Classification Sherloc (09022015). Collection method: clinical testing. Allele origin: germline.
Comment: This variant is not present in population databases (gnomAD no frequency). In summary, the available evidence is currently insufficient to determine the role of this variant in disease. Therefore, it has been classified as a Variant of Uncertain Significance. Advanced modeling of protein sequence and biophysical properties (such as structural, functional, and spatial information, amino acid conservation, physicochemical variation, residue mobility, and thermodynamic stability) performed at Invitae indicates that this missense variant is expected to disrupt FANCA protein function. ClinVar contains an entry for this variant (Variation ID: 1042796). This variant has not been reported in the literature in individuals affected with FANCA-related conditions. This sequence change replaces threonine, which is neutral and polar, with arginine, which is basic and polar, at codon 1373 of the FANCA protein (p.Thr1373Arg).